The following is an entry in ClinVar:

NM_022552.5(DNMT3A):c.2358A>C (p.Ser786=)

Gene: DNMT3A (DNA methyltransferase 3 alpha; minus strand). Cytogenetic location: 2p23.3.
Variant type: single nucleotide variant.
Coding change: c.2358A>C on transcript NM_022552.5 (MANE Select); coding-DNA position 2358, A replaced by C.
Protein change: p.Ser786=; no amino-acid change (serine 786 retained).
Molecular consequence: synonymous variant. On other transcripts: non-coding transcript variant (1).
Genome position (GRCh38, 1-based): chr2:25,239,180, T>G on the plus strand (A>C on the coding strand, the complement: DNMT3A is on the minus strand). VCF-style: chr2-25239180-T-G. GRCh37 (hg19) VCF-style: chr2-25462049-T-G.
Other names: c.1902A>C, p.Ser634= (NM_001320893.1); c.1689A>C, p.Ser563= (NM_001375819.1); c.1791A>C, p.Ser597= (NM_153759.3); c.2358A>C, p.Ser786= (NM_175629.2).
Identifiers: ClinVar variation 3354104 (VCV003354104.1).

ClinVar aggregate classification (germline): Likely benign (0 of 4 stars; one submission).

Conditions:
DNMT3A-related disorder. Also called: DNMT3A-related disorders; DNMT3A-related condition.

Submission:

PreventionGenetics, part of Exact Sciences
Classification: Likely benign for DNMT3A-related condition. Last evaluated: 2024-09-04. Review status: no assertion criteria provided. Collection method: clinical testing. Allele origin: germline.
Comment: This variant is classified as likely benign based on ACMG/AMP sequence variant interpretation guidelines (Richards et al. 2015 PMID: 25741868, with internal and published modifications).